The following is an entry in ClinVar:

NM_004813.4(PEX16):c.707G>T (p.Gly236Val)

Gene: PEX16 (peroxisomal biogenesis factor 16; minus strand). Cytogenetic location: 11p11.2.
Variant type: single nucleotide variant.
Coding change: c.707G>T on transcript NM_004813.4 (MANE Select); coding-DNA position 707, G replaced by T.
Protein change: p.Gly236Val; replaces glycine 236 with valine.
Molecular consequence: missense variant.
Genome position (GRCh38, 1-based): chr11:45,914,191, C>A on the plus strand (G>T on the coding strand, the complement: PEX16 is on the minus strand). VCF-style: chr11-45914191-C-A. GRCh37 (hg19) VCF-style: chr11-45935742-C-A.
Other names: c.707G>T, p.Gly236Val (NM_057174.3); short protein forms G236V.
Identifiers: ClinVar variation 1383275 (VCV001383275.6), dbSNP rs2134692571, ClinGen allele CA380226861.

ClinVar aggregate classification (germline): Uncertain significance (1 of 4 stars; one submission).

Conditions:
Peroxisome biogenesis disorder. Identifiers: Orphanet 79189, MedGen C1832200, MONDO:0019234. Disease mechanism: loss of function.

Allele frequency attached by ClinVar (database versions not stated): gnomAD exomes 0.00001.
gnomAD v4.1: 11 of 1,612,986 alleles (0.00068%); highest among the groups gnomAD compares: Non-Finnish European, 0.00093%; no homozygotes.

Submission:

Labcorp Genetics (formerly Invitae), Labcorp
Classification: Uncertain significance for Peroxisome biogenesis disorder. Last evaluated: 2022-06-05. Review status: criteria provided, single submitter. Criteria: Invitae Variant Classification Sherloc (09022015). Collection method: clinical testing. Allele origin: germline.
Comment: In summary, the available evidence is currently insufficient to determine the role of this variant in disease. Therefore, it has been classified as a Variant of Uncertain Significance. Algorithms developed to predict the effect of missense changes on protein structure and function are either unavailable or do not agree on the potential impact of this missense change (SIFT: "Deleterious"; PolyPhen-2: "Possibly Damaging"; Align-GVGD: "Class C0"). ClinVar contains an entry for this variant (Variation ID: 1383275). This variant has not been reported in the literature in individuals affected with PEX16-related conditions. This variant is not present in population databases (gnomAD no frequency). This sequence change replaces glycine, which is neutral and non-polar, with valine, which is neutral and non-polar, at codon 236 of the PEX16 protein (p.Gly236Val).